The following is an entry in ClinVar:

ClinVar aggregate classification (germline): Uncertain significance (1 of 4 stars; one submission).

Allele frequency attached by ClinVar (database versions not stated): ExAC 0.00002; gnomAD 0.00003; TOPMed 0.00006.
gnomAD v4.1: 32 of 1,595,390 alleles (0.002%); highest among the groups gnomAD compares: South Asian, 0.016%; no homozygotes.

Submission:

Labcorp Genetics (formerly Invitae), Labcorp
Classification: Uncertain significance. Last evaluated: 2022-01-21. Review status: criteria provided, single submitter. Criteria: Invitae Variant Classification Sherloc (09022015). Collection method: clinical testing. Allele origin: germline.
Comment: In summary, the available evidence is currently insufficient to determine the role of this variant in disease. Therefore, it has been classified as a Variant of Uncertain Significance. Experimental studies and prediction algorithms are not available or were not evaluated, and the functional significance of this variant is currently unknown. This variant has not been reported in the literature in individuals affected with LTBP4-related conditions. This variant is present in population databases (rs747283204, gnomAD 0.01%). This sequence change replaces threonine, which is neutral and polar, with methionine, which is neutral and non-polar, at codon 1574 of the LTBP4 protein (p.Thr1574Met).

NM_001042545.2(LTBP4):c.4631C>T (p.Thr1544Met)

Gene: LTBP4 (latent transforming growth factor beta binding protein 4; plus strand). Cytogenetic location: 19q13.2.
Variant type: single nucleotide variant.
Coding change: c.4631C>T on transcript NM_001042545.2 (MANE Select); coding-DNA position 4631, C replaced by T.
Protein change: p.Thr1544Met; replaces threonine 1544 with methionine.
Molecular consequence: missense variant.
Genome position (GRCh38, 1-based): chr19:40,629,507, C>T. VCF-style: chr19-40629507-C-T. GRCh37 (hg19) VCF-style: chr19-41135412-C-T.
Other names: c.4832C>T, p.Thr1611Met (NM_001042544.1); c.4721C>T, p.Thr1574Met (NM_003573.2); short protein forms T1544M, T1574M, T1611M.
Identifiers: ClinVar variation 1946094 (VCV001946094.3), dbSNP rs747283204, ClinGen allele CA9449401.